The following is an entry in ClinVar:

NM_001267550.2(TTN):c.14965C>A (p.Pro4989Thr)

Gene: TTN (titin; minus strand). Cytogenetic location: 2q31.2.
Variant type: single nucleotide variant.
Coding change: c.14965C>A on transcript NM_001267550.2 (MANE Select); coding-DNA position 14965, C replaced by A.
Protein change: p.Pro4989Thr; replaces proline 4989 with threonine.
Molecular consequence: missense variant. On other transcripts: intron variant (3).
Genome position (GRCh38, 1-based): chr2:178,734,959, G>T on the plus strand (C>A on the coding strand, the complement: TTN is on the minus strand). VCF-style: chr2-178734959-G-T. GRCh37 (hg19) VCF-style: chr2-179599686-G-T.
Other names: c.14014C>A, p.Pro4672Thr (NM_001256850.1); c.11233C>A, p.Pro3745Thr (NM_133378.4); c.13282+3123C>A (NM_003319.4); c.13858+3123C>A (NM_133437.4); c.13657+3123C>A (NM_133432.3); short protein forms P3745T, P4672T, P4989T.
Identifiers: ClinVar variation 1163437 (VCV001163437.27), dbSNP rs80003323, ClinGen allele CA2002310.
Genomic context (GRCh38, chr2:178,734,959, plus strand): 5'-GTGAGCCTTTCAGCTTGCAATGGAGGCGTGCTGATTCACCTGGGAGCATTAAATAAGAGG[G>T]ATCCACCTTCTTCACGAAGGATGGTGGCTCTACATGAAGTTTACAAAAAAGAAAAAGGAG-3'
Protein context (NP_001254479.2, residues 4979-4999): EPPSFVKKVD[Pro4989Thr]SYLMLPGESA

ClinVar aggregate classification (germline): Uncertain significance. Review status: criteria provided, multiple submitters, no conflicts (2 of 4 stars). 2 submissions from 2 submitters: Uncertain significance (2). Last evaluated 2024-03-01.

Allele frequency attached by ClinVar (database versions not stated): ExAC 0.00003; 1000 Genomes Project 30x 0.00016; 1000 Genomes Project 0.00020; TOPMed 0.00001.
gnomAD v4.1: 16 of 1,596,974 alleles (0.001%); highest among the groups gnomAD compares: Middle Eastern, 0.017%; no homozygotes.

Submissions (2):

CeGaT Center for Human Genetics Tuebingen
Classification: Uncertain significance. Last evaluated: 2024-03-01. Review status: criteria provided, single submitter. Criteria: CeGaT Center For Human Genetics Tuebingen Variant Classification Criteria Version 2. Collection method: clinical testing. Allele origin: germline. Affected: yes. Observed: 1 variant allele.
Comment: TTN: PM2, BP4

Mayo Clinic Laboratories, Mayo Clinic
Classification: Uncertain significance. Last evaluated: 2019-07-08. Review status: criteria provided, single submitter. Criteria: ACMG Guidelines, 2015. Collection method: clinical testing. Allele origin: germline. Observed: 1 variant allele.